The following is an entry in ClinVar:

ClinVar aggregate classification (germline): Conflicting classifications of pathogenicity. Review status: criteria provided, conflicting classifications (1 of 4 stars). 4 submissions from 4 submitters: Pathogenic (1); Likely pathogenic (1); Uncertain significance (1). 1 of the submissions does not count toward it. Last evaluated 2026-01-09.

Conditions:
Autosomal recessive limb-girdle muscular dystrophy type 2A (LGMDR1). Also called: Muscular dystrophy, limb-girdle, type 2A, Amish; MUSCULAR DYSTROPHY, PELVOFEMORAL; Calpainopathy; Limb-girdle muscular dystrophy, type 2A; LEYDEN-MOEBIUS MUSCULAR DYSTROPHY. Identifiers: Orphanet 267, MedGen C1869123, MONDO:0009675, OMIM 253600. Disease mechanism: loss of function.

Allele frequency attached by ClinVar (database versions not stated): gnomAD exomes below 0.00001 and 0.00001; ExAC 0.00001; TOPMed 0.00002; gnomAD 0.00001.
gnomAD v4.1: 5 of 1,614,122 alleles (0.00031%); highest among the groups gnomAD compares: Admixed American, 0.0067%; no homozygotes.

Submissions (4):

Labcorp Genetics (formerly Invitae), Labcorp
Classification: Likely pathogenic for Autosomal recessive limb-girdle muscular dystrophy type 2A. Last evaluated: 2026-01-09. Review status: criteria provided, single submitter. Criteria: Invitae Variant Classification Sherloc (09022015). Collection method: clinical testing. Allele origin: germline.
Comment: This sequence change replaces phenylalanine, which is neutral and non-polar, with leucine, which is neutral and non-polar, at codon 88 of the CAPN3 protein (p.Phe88Leu). This variant is present in population databases (rs760626912, gnomAD 0.006%). This missense change has been observed in individual(s) with autosomal recessive limb-girdle muscular dystrophy (internal data). In at least one individual the data is consistent with being in trans (on the opposite chromosome) from a pathogenic variant. ClinVar contains an entry for this variant (Variation ID: 193038). Invitae Evidence Modeling of protein sequence and biophysical properties (such as structural, functional, and spatial information, amino acid conservation, physicochemical variation, residue mobility, and thermodynamic stability) indicates that this missense variant is not expected to disrupt CAPN3 protein function with a negative predictive value of 80%. In summary, the currently available evidence indicates that the variant is pathogenic, but additional data are needed to prove that conclusively. Therefore, this variant has been classified as Likely Pathogenic.

Revvity Omics, Revvity
Classification: Uncertain significance. Last evaluated: 2023-09-23. Review status: criteria provided, single submitter. Criteria: ACMG Guidelines, 2015. Collection method: clinical testing. Allele origin: germline.

Eurofins Ntd Llc (ga)
Classification: Pathogenic. Last evaluated: 2017-12-01. Review status: criteria provided, single submitter. Criteria: EGL Classification Definitions 2015. Collection method: clinical testing. Allele origin: germline. Observed: 5 variant alleles, 4 heterozygotes, 1 homozygote.

Natera, Inc.
Classification: Uncertain significance for Limb-girdle muscular dystrophy type 2A. Last evaluated: 2020-08-29. Review status: no assertion criteria provided. Collection method: clinical testing. Allele origin: germline. Not counted in ClinVar's aggregate classification.

NM_000070.3(CAPN3):c.264T>G (p.Phe88Leu)

Gene: CAPN3 (calpain 3; plus strand). Cytogenetic location: 15q15.1.
Variant type: single nucleotide variant.
Coding change: c.264T>G on transcript NM_000070.3 (MANE Select); coding-DNA position 264, T replaced by G.
Protein change: p.Phe88Leu; replaces phenylalanine 88 with leucine.
Molecular consequence: missense variant.
Genome position (GRCh38, 1-based): chr15:42,360,069, T>G. VCF-style: chr15-42360069-T-G. GRCh37 (hg19) VCF-style: chr15-42652267-T-G.
Other names: c.264T>G, p.Phe88Leu (NM_024344.2, NM_173087.2); short protein forms F88L.
Identifiers: ClinVar variation 193038 (VCV000193038.19), dbSNP rs760626912, ClinGen allele CA238547.